The following is an entry in ClinVar:

NM_004370.6(COL12A1):c.1561A>G (p.Lys521Glu)

Gene: COL12A1 (collagen type XII alpha 1 chain; minus strand). Cytogenetic location: 6q13.
Variant type: single nucleotide variant.
Coding change: c.1561A>G on transcript NM_004370.6 (MANE Select); coding-DNA position 1561, A replaced by G.
Protein change: p.Lys521Glu; replaces lysine 521 with glutamic acid.
Molecular consequence: missense variant. On other transcripts: intron variant (1).
Genome position (GRCh38, 1-based): chr6:75,183,380, T>C on the plus strand (A>G on the coding strand, the complement: COL12A1 is on the minus strand). VCF-style: chr6-75183380-T-C. GRCh37 (hg19) VCF-style: chr6-75893096-T-C.
Other names: c.73+19340A>G (NM_080645.3); short protein forms K521E.
Identifiers: ClinVar variation 661476 (VCV000661476.9), dbSNP rs774728500, ClinGen allele CA3894175.
Genomic context (GRCh38, chr6:75,183,380, plus strand): 5'-CATTGCTTCTTGATCCCTTGCTAGGCACAAATATTTTCTCTCTGACATAAGTCATTGCTT[T>C]GCCAGTATTTGTAGATCCTCCTCTGTAAGGGAAGGTGTTTATTGCTTCAATTATATCTTC-3'
Protein context (NP_004361.3, residues 511-531): PYRGGSTNTG[Lys521Glu]AMTYVREKIF

ClinVar aggregate classification (germline): Uncertain significance (1 of 4 stars; one submission).

Conditions:
Ullrich congenital muscular dystrophy 2 (UCMD2). Identifiers: Orphanet 75840, MedGen C4225314, MONDO:0014654, OMIM 616470.
Bethlem myopathy 2 (BTHLM2). Identifiers: Orphanet 536516, Orphanet 610, MedGen C4225313, MONDO:0034022, OMIM 616471.

Allele frequency attached by ClinVar (database versions not stated): gnomAD exomes below 0.00001; ExAC 0.00001.

Submission:

Labcorp Genetics (formerly Invitae), Labcorp
Classification: Uncertain significance for Bethlem myopathy 2; Ullrich congenital muscular dystrophy 2. Last evaluated: 2025-10-12. Review status: criteria provided, single submitter. Criteria: Invitae Variant Classification Sherloc (09022015). Collection method: clinical testing. Allele origin: germline.
Comment: This sequence change replaces lysine, which is basic and polar, with glutamic acid, which is acidic and polar, at codon 521 of the COL12A1 protein (p.Lys521Glu). This variant is present in population databases (rs774728500, gnomAD 0.003%). This variant has not been reported in the literature in individuals affected with COL12A1-related conditions. ClinVar contains an entry for this variant (Variation ID: 661476). Invitae Evidence Modeling of protein sequence and biophysical properties (such as structural, functional, and spatial information, amino acid conservation, physicochemical variation, residue mobility, and thermodynamic stability) indicates that this missense variant is not expected to disrupt COL12A1 protein function with a negative predictive value of 80%. In summary, the available evidence is currently insufficient to determine the role of this variant in disease. Therefore, it has been classified as a Variant of Uncertain Significance.